The following is an entry in ClinVar:

ClinVar aggregate classification (germline): Uncertain significance (1 of 4 stars; one submission).

Submission:

GeneDx
Classification: Uncertain significance. Last evaluated: 2025-07-15. Review status: criteria provided, single submitter. Criteria: GeneDx Variant Classification Process June 2021. Collection method: clinical testing. Allele origin: germline. Affected: yes.
Comment: Not observed at significant frequency in large population cohorts (gnomAD); In silico analysis suggests that this missense variant does not alter protein structure/function; Has not been previously published as pathogenic or benign to our knowledge

NM_033517.1:c.1302C>G

Gene: SHANK3 (SH3 and multiple ankyrin repeat domains 3; plus strand).
Variant type: single nucleotide variant.
Other names: c.1302C>G (NM_033517.1).
Identifiers: ClinVar variation 4686132 (VCV004686132.1).